The following is an entry in ClinVar:

NM_004036.5(ADCY3):c.1776G>T (p.Glu592Asp)

Gene: ADCY3 (adenylate cyclase 3; minus strand). Cytogenetic location: 2p23.3.
Variant type: single nucleotide variant.
Coding change: c.1776G>T on transcript NM_004036.5 (MANE Select); coding-DNA position 1776, G replaced by T.
Protein change: p.Glu592Asp; replaces glutamic acid 592 with aspartic acid.
Molecular consequence: missense variant.
Genome position (GRCh38, 1-based): chr2:24,834,823, C>A on the plus strand (G>T on the coding strand, the complement: ADCY3 is on the minus strand). VCF-style: chr2-24834823-C-A. GRCh37 (hg19) VCF-style: chr2-25057692-C-A.
Other names: c.1776G>T, p.Glu592Asp (NM_001320613.2, NM_001377129.1, NM_001377130.1 and 1 more transcripts); c.1842G>T, p.Glu614Asp (NM_001377128.1); c.1053G>T, p.Glu351Asp (NM_001377131.1); short protein forms E351D, E592D, E614D.
Identifiers: ClinVar variation 4977608 (VCV004977608.1).

ClinVar aggregate classification (germline): Uncertain significance (1 of 4 stars; one submission).

Conditions:
ADCY3-related disorder. Also called: ADCY3-related condition.

gnomAD v4.1: 1 of 1,613,912 alleles (0.000062%); highest among the groups gnomAD compares: Admixed American, 0.0017%; no homozygotes.

Submission:

PreventionGenetics, part of Exact Sciences
Classification: Uncertain significance for ADCY3-related condition. Last evaluated: 2026-04-08. Review status: criteria provided, single submitter. Criteria: ACMG Guidelines, 2015. Collection method: clinical testing. Allele origin: germline.
Comment: The ADCY3 c.1776G>T variant is predicted to result in the amino acid substitution p.Glu592Asp. To our knowledge, this variant has not been reported in the literature. This variant is reported in 0.0029% of alleles in individuals of Latino descent in gnomAD. At this time, the clinical significance of this variant is uncertain due to the absence of conclusive functional and genetic evidence.